The following is an entry in ClinVar:

ClinVar aggregate classification (germline): Uncertain significance (1 of 4 stars; one submission).

Allele frequency attached by ClinVar (database versions not stated): TOPMed below 0.00001; gnomAD 0.00001.
gnomAD v4.1: 1 of 1,613,856 alleles (0.000062%); highest among the groups gnomAD compares: African/African-American, 0.0013%; no homozygotes.

Submission:

Labcorp Genetics (formerly Invitae), Labcorp
Classification: Uncertain significance. Last evaluated: 2022-03-13. Review status: criteria provided, single submitter. Criteria: Invitae Variant Classification Sherloc (09022015). Collection method: clinical testing. Allele origin: germline.
Comment: In summary, the available evidence is currently insufficient to determine the role of this variant in disease. Therefore, it has been classified as a Variant of Uncertain Significance. Algorithms developed to predict the effect of missense changes on protein structure and function are either unavailable or do not agree on the potential impact of this missense change (SIFT: "Deleterious"; PolyPhen-2: "Benign"; Align-GVGD: "Class C0"). This variant has not been reported in the literature in individuals affected with SLC25A12-related conditions. This variant is present in population databases (no rsID available, gnomAD 0.01%). This sequence change replaces aspartic acid, which is acidic and polar, with glycine, which is neutral and non-polar, at codon 491 of the SLC25A12 protein (p.Asp491Gly).

NM_003705.5(SLC25A12):c.1472A>G (p.Asp491Gly)

Gene: SLC25A12 (solute carrier family 25 member 12; minus strand). Cytogenetic location: 2q31.1.
Variant type: single nucleotide variant.
Coding change: c.1472A>G on transcript NM_003705.5 (MANE Select); coding-DNA position 1472, A replaced by G.
Protein change: p.Asp491Gly; replaces aspartic acid 491 with glycine.
Molecular consequence: missense variant. On other transcripts: non-coding transcript variant (1).
Genome position (GRCh38, 1-based): chr2:171,791,564, T>C on the plus strand (A>G on the coding strand, the complement: SLC25A12 is on the minus strand). VCF-style: chr2-171791564-T-C. GRCh37 (hg19) VCF-style: chr2-172648074-T-C.
Other names: short protein forms D491G.
Identifiers: ClinVar variation 2110597 (VCV002110597.4), dbSNP rs1281445147, ClinGen allele CA349288893.
Genomic context (GRCh38, chr2:171,791,564, plus strand): 5'-TCAGCCAGAAGTAGTTTGCAATGAGCATAAACAGGAAAATAGATTGCAGAGAAGGGAATG[T>C]CTCGGAGGAAACACGCTTTGGCACCCTGTCACACAGTGAGGAAATAGTGCAAAACAGTGT-3'
Protein context (NP_003696.2, residues 481-501): YKGAKACFLR[Asp491Gly]IPFSAIYFPV